The following is an entry in ClinVar:

NM_001999.4(FBN2):c.2882T>A (p.Val961Glu)

Gene: FBN2 (fibrillin 2; minus strand). Cytogenetic location: 5q23.3.
Variant type: single nucleotide variant.
Coding change: c.2882T>A on transcript NM_001999.4 (MANE Select); coding-DNA position 2882, T replaced by A.
Protein change: p.Val961Glu; replaces valine 961 with glutamic acid.
Molecular consequence: missense variant.
Genome position (GRCh38, 1-based): chr5:128,349,454, A>T on the plus strand (T>A on the coding strand, the complement: FBN2 is on the minus strand). VCF-style: chr5-128349454-A-T. GRCh37 (hg19) VCF-style: chr5-127685146-A-T.
Other names: short protein forms V961E.
Identifiers: ClinVar variation 458748 (VCV000458748.9), dbSNP rs1025184275, ClinGen allele CA360765523.

ClinVar aggregate classification (germline): Uncertain significance (1 of 4 stars; one submission).

Conditions:
Congenital contractural arachnodactyly (CCA). Also called: Beals-Hecht syndrome; BEALS SYNDROME; Arthrogryposis, distal, type 9. Identifiers: Orphanet 115, MedGen C0220668, MONDO:0007363, OMIM 121050.

Allele frequency attached by ClinVar (database versions not stated): gnomAD exomes below 0.00001.

Submission:

Labcorp Genetics (formerly Invitae), Labcorp
Classification: Uncertain significance for Congenital contractural arachnodactyly. Last evaluated: 2017-01-15. Review status: criteria provided, single submitter. Criteria: Invitae Variant Classification Sherloc (09022015). Collection method: clinical testing. Allele origin: germline.
Comment: In summary, this variant is a novel missense change with uncertain impact on protein function. It has been classified as a Variant of Uncertain Significance. Algorithms developed to predict the effect of missense changes on protein structure and function do not agree on the potential impact of this missense change (SIFT: "Deleterious"; PolyPhen-2: "Benign"; Align-GVGD: "Class C0"). This variant is not present in population databases (ExAC no frequency) and has not been reported in the literature in individuals with a FBN2-related disease. This sequence change replaces valine with glutamic acid at codon 961 of the FBN2 protein (p.Val961Glu). The valine residue is moderately conserved and there is a moderate physicochemical difference between valine and glutamic acid.